The following is an entry in ClinVar:

ClinVar aggregate classification (germline): Pathogenic/Likely pathogenic. Review status: criteria provided, multiple submitters, no conflicts (2 of 4 stars). 3 submissions from 3 submitters: Pathogenic (1); Likely pathogenic (2). Last evaluated 2020-10-30.

Conditions:
Granulomatous disease, chronic, autosomal recessive, cytochrome b-negative. Also called: GRANULOMATOUS DISEASE, CHRONIC, AUTOSOMAL RECESSIVE, 4; Chronic granulomatous disease, autosomal, due to deficiency of CYBA; CGD DUE TO DEFICIENCY OF THE ALPHA SUBUNIT OF CYTOCHROME b; CGD, AUTOSOMAL RECESSIVE CYTOCHROME b-NEGATIVE; CYBA DEFICIENCY. Identifiers: Orphanet 379, MedGen C1856255, MONDO:0009308, OMIM 233690.

Allele frequency attached by ClinVar (database versions not stated): TOPMed below 0.00001; gnomAD exomes 0.00001.
gnomAD v4.1: 5 of 1,551,894 alleles (0.00032%); highest among the groups gnomAD compares: South Asian, 0.0024%; no homozygotes.

Submissions (3):

Labcorp Genetics (formerly Invitae), Labcorp
Classification: Likely pathogenic for Granulomatous disease, chronic, autosomal recessive, cytochrome b-negative. Last evaluated: 2020-10-30. Review status: criteria provided, single submitter. Criteria: Invitae Variant Classification Sherloc (09022015). Collection method: clinical testing. Allele origin: germline.
Comment: Disruption of this splice site has been observed in individual(s) with chronic granulomatous disease (PMID: 18422995, 26915675). It has also been observed to segregate with disease in related individuals. In summary, the currently available evidence indicates that the variant is pathogenic, but additional data are needed to prove that conclusively. Therefore, this variant has been classified as Likely Pathogenic. Nucleotide substitutions within the consensus splice site are a relatively common cause of aberrant splicing (PMID: 17576681, 9536098). Studies have shown that this variant is associated with exon 5 skipping, which introduces a frameshift (PMID: 18422995). However the mRNA is not expected to undergo nonsense-mediated decay. This variant is not present in population databases (ExAC no frequency). This sequence change affects a donor splice site in intron 5 of the CYBA gene. RNA analysis indicates that this variant induces altered splicing and likely disrupts the C-terminus of the protein.

Revvity Omics, Revvity
Classification: Likely pathogenic for Granulomatous disease, chronic, autosomal recessive, cytochrome b-negative. Last evaluated: 2020-06-23. Review status: criteria provided, single submitter. Criteria: ACMG Guidelines, 2015. Collection method: clinical testing. Allele origin: germline.

Juno Genomics, Hangzhou Juno Genomics, Inc
Classification: Pathogenic for Granulomatous disease, chronic, autosomal recessive, cytochrome b-negative. Review status: criteria provided, single submitter. Criteria: ACMG Guidelines, 2015. Collection method: clinical testing. Allele origin: germline.
Comment: Absent from controls (or at extremely low frequency if recessive) in Genome Aggregation Database.;Null variant in a gene where loss of function (LOF) is a known mechanism of disease.;For recessive disorders, detected in trans with a pathogenic variant.;Co-segregation with disease in multiple affected family members.

Literature cited by the submitters: PubMed 18422995 (cited by Labcorp Genetics (formerly Invitae), Labcorp); PubMed 26915675 (cited by Labcorp Genetics (formerly Invitae), Labcorp); PubMed 17576681 (cited by Labcorp Genetics (formerly Invitae), Labcorp); PubMed 9536098 (cited by Labcorp Genetics (formerly Invitae), Labcorp).

NM_000101.4(CYBA):c.369+1G>A

Gene: CYBA (cytochrome b-245 alpha chain; minus strand). Cytogenetic location: 16q24.2.
Variant type: single nucleotide variant.
Coding change: c.369+1G>A on transcript NM_000101.4 (MANE Select); the canonical splice donor site of the intron after coding-DNA position 369, G replaced by A.
Molecular consequence: splice donor variant.
Genome position (GRCh38, 1-based): chr16:88,646,115, C>T on the plus strand (G>A on the coding strand, the complement: CYBA is on the minus strand). VCF-style: chr16-88646115-C-T. GRCh37 (hg19) VCF-style: chr16-88712523-C-T.
Identifiers: ClinVar variation 1066381 (VCV001066381.15), dbSNP rs905944088, ClinGen allele CA286352396.